The following is an entry in ClinVar:

ClinVar aggregate classification (germline): Conflicting classifications of pathogenicity. Review status: criteria provided, conflicting classifications (1 of 4 stars). 3 submissions from 3 submitters: Uncertain significance (1); Likely benign (1). 1 of the submissions does not count toward it. Last evaluated 2020-12-15.

Conditions:
HSPG2-related disorder. Also called: HSPG2-related disorders; HSPG2-related condition.

Allele frequency attached by ClinVar (database versions not stated): gnomAD exomes below 0.00001; gnomAD 0.00001 and 0.00002; TOPMed 0.00001; 1000 Genomes Project 30x 0.00016; 1000 Genomes Project 0.00020.
gnomAD v4.1: 21 of 1,613,924 alleles (0.0013%); highest among the groups gnomAD compares: South Asian, 0.0044%; no homozygotes.

Submissions (3):

Athena Diagnostics
Classification: Likely benign. Last evaluated: 2020-12-15. Review status: criteria provided, single submitter. Criteria: Athena Diagnostics criteria. Collection method: clinical testing. Allele origin: unknown.

Revvity Omics, Revvity
Classification: Uncertain significance. Last evaluated: 2019-10-16. Review status: criteria provided, single submitter. Criteria: ACMG Guidelines, 2015. Collection method: clinical testing. Allele origin: germline.

PreventionGenetics, part of Exact Sciences
Classification: Likely benign for HSPG2-related condition. Last evaluated: 2023-03-21. Review status: no assertion criteria provided. Collection method: clinical testing. Allele origin: germline. Not counted in ClinVar's aggregate classification.
Comment: This variant is classified as likely benign based on ACMG/AMP sequence variant interpretation guidelines (Richards et al. 2015 PMID: 25741868, with internal and published modifications).

NM_005529.7(HSPG2):c.4275A>G (p.Pro1425=)

Gene: HSPG2 (heparan sulfate proteoglycan 2; minus strand). Cytogenetic location: 1p36.12.
Variant type: single nucleotide variant.
Coding change: c.4275A>G on transcript NM_005529.7 (MANE Select); coding-DNA position 4275, A replaced by G.
Protein change: p.Pro1425=; no amino-acid change (proline 1425 retained).
Molecular consequence: synonymous variant.
Genome position (GRCh38, 1-based): chr1:21,865,756, T>C on the plus strand (A>G on the coding strand, the complement: HSPG2 is on the minus strand). VCF-style: chr1-21865756-T-C. GRCh37 (hg19) VCF-style: chr1-22192249-T-C.
Other names: c.4278A>G, p.Pro1426= (NM_001291860.2); c.4275A>G (NM_005529.5).
Identifiers: ClinVar variation 1256152 (VCV001256152.6), dbSNP rs540961117, ClinGen allele CA19136089.